The following is an entry in ClinVar:

ClinVar aggregate classification (germline): Pathogenic/Likely pathogenic. Review status: criteria provided, multiple submitters, no conflicts (2 of 4 stars). 3 submissions from 3 submitters: Pathogenic (1); Likely pathogenic (2). Last evaluated 2021-10-26.

Conditions:
Arrhythmogenic right ventricular dysplasia 10. Also called: Arrhythmogenic Right Ventricular Dysplasia/Cardiomyopathy10; Arrhythmogenic right ventricular dysplasia/cardiomyopathy, type 10; ARRHYTHMOGENIC RIGHT VENTRICULAR DYSPLASIA, FAMILIAL, 10. Identifiers: MedGen C1857777, MONDO:0012434, OMIM 610193.
Dilated cardiomyopathy 1BB (CMD1BB). Also called: CARDIOMYOPATHY, DILATED, 1BB, SUSCEPTIBILITY TO. Identifiers: Orphanet 154, MedGen C2752072, MONDO:0013030, OMIM 612877.

Submissions (3):

Fulgent Genetics
Classification: Likely pathogenic for Arrhythmogenic right ventricular dysplasia 10; Dilated cardiomyopathy 1BB. Last evaluated: 2021-10-26. Review status: criteria provided, single submitter. Criteria: ACMG Guidelines, 2015. Collection method: clinical testing. Allele origin: unknown.

Labcorp Genetics (formerly Invitae), Labcorp
Classification: Pathogenic for Arrhythmogenic right ventricular dysplasia 10. Last evaluated: 2021-05-26. Review status: criteria provided, single submitter. Criteria: Invitae Variant Classification Sherloc (09022015). Collection method: clinical testing. Allele origin: germline.
Comment: For these reasons, this variant has been classified as Pathogenic. Loss-of-function variants in DSG2 are known to be pathogenic (PMID: 23381804, 23911551). This variant has not been reported in the literature in individuals with DSG2-related disease. This variant is not present in population databases (ExAC no frequency). This sequence change creates a premature translational stop signal (p.Leu171Cysfs*16) in the DSG2 gene. It is expected to result in an absent or disrupted protein product.

Human Genome Sequencing Center Clinical Lab, Baylor College of Medicine
Classification: Likely pathogenic for Arrhythmogenic right ventricular dysplasia 10. Last evaluated: 2017-07-31. Review status: criteria provided, single submitter. Criteria: ACMG Guidelines, 2015. Collection method: clinical testing. Allele origin: germline.
Comment: This variant causes a shift in reading frame starting at leucine 171, changing it to a cysteine, and creating a premature stop codon at position 16 of the new reading frame. Loss of function could be the mechanism for DSG2 protein (PMID23911551, 23381804) also see HGMD for reported nonsense variants and frameshifting variants after Leu171. Thus, this variant has been classified as likely pathogenic.

Literature cited by the submitters: PubMed 23381804 (cited by Labcorp Genetics (formerly Invitae), Labcorp); PubMed 23911551 (cited by Labcorp Genetics (formerly Invitae), Labcorp).

NM_001943.5(DSG2):c.512_516del (p.Leu171fs)

Gene: DSG2 (desmoglein 2; plus strand). Cytogenetic location: 18q12.1.
Variant type: Deletion.
Coding change: c.512_516del on transcript NM_001943.5 (MANE Select); coding-DNA positions 512 to 516, 5 bases deleted (TGAGT; older notation c.512_516delTGAGT).
Protein change: p.Leu171fs; shifts the reading frame from leucine 171.
Molecular consequence: frameshift variant.
Genome position (GRCh38, 1-based): chr18:31,521,232-31,521,236, TGAGT deleted; deleting any 5 consecutive bases within chr18:31,521,228-31,521,236 gives the same sequence; the c. name uses the placement nearest the transcript's 3' end. VCF-style (leftmost placement, unchanged base first): chr18-31521227-AGAGTT-A. GRCh37 (hg19) VCF-style: chr18-29101190-AGAGTT-A.
Other names: c.512_516del (LRG_397t1, NM_001943.3); short protein forms L171fs.
Identifiers: ClinVar variation 585218 (VCV000585218.10), dbSNP rs1568105371, ClinGen allele CA891844302.